The following is an entry in ClinVar:

NM_006231.4(POLE):c.715del (p.His239fs)

Gene: POLE (DNA polymerase epsilon, catalytic subunit; minus strand). Cytogenetic location: 12q24.33.
Variant type: Deletion.
Coding change: c.715del on transcript NM_006231.4 (MANE Select); coding-DNA position 715, one base deleted (C; older notation c.715delC).
Protein change: p.His239fs; shifts the reading frame from histidine 239.
Molecular consequence: frameshift variant.
Genome position (GRCh38, 1-based): chr12:132,677,583, G deleted on the plus strand (C on the coding strand, the reverse complement: POLE is on the minus strand); the first of 2 consecutive G bases (chr12:132,677,583-132,677,584); deleting either gives the same sequence. VCF-style (leftmost placement, unchanged base first): chr12-132677582-TG-T. GRCh37 (hg19) VCF-style: chr12-133254168-TG-T.
Other names: short protein forms H239fs.
Identifiers: ClinVar variation 826869 (VCV000826869.5), dbSNP rs1593081630, ClinGen allele CA915946767.

ClinVar aggregate classification (germline): Uncertain significance (1 of 4 stars; one submission).

Conditions:
Hereditary cancer-predisposing syndrome. Also called: Hereditary Cancer Syndrome; Tumor predisposition; Neoplastic Syndromes, Hereditary; Hereditary neoplastic syndrome. Identifiers: Orphanet 140162, MedGen C0027672, MeSH D009386, MONDO:0015356.

Submission:

Ambry Genetics
Classification: Uncertain significance for Hereditary cancer-predisposing syndrome. Last evaluated: 2026-01-08. Review status: criteria provided, single submitter. Criteria: Ambry Variant Classification Scheme 2023. Collection method: clinical testing. Allele origin: germline.
Comment: The c.715delC variant, located in coding exon 7 of the POLE gene, results from a deletion of one nucleotide at nucleotide position 715, causing a translational frameshift with a predicted alternate stop codon (p.H239Tfs*17). This alteration is expected to result in loss of function by premature protein truncation or nonsense-mediated mRNA decay. Although biallelic loss of function of POLE has been associated with autosomal recessive POLE deficiency, haploinsufficiency of POLE has not been established as a mechanism of disease for POLE-related polymerase proofreading-associated polyposis (PPAP) and POLE-related CMMRD-like syndrome. Based on the supporting evidence, this variant is expected to be causative of POLE deficiency when present along with a second pathogenic variant on the other allele; however, its clinical significance for PPAP and POLE-related CMMRD-like syndrome is unclear.